The following is an entry in ClinVar:

ClinVar aggregate classification (germline): Uncertain significance (1 of 4 stars; one submission).

Allele frequency attached by ClinVar (database versions not stated): gnomAD 0.00001; TOPMed 0.00001; ExAC 0.00002.
gnomAD v4.1: 22 of 1,613,792 alleles (0.0014%); highest among the groups gnomAD compares: East Asian, 0.033%; no homozygotes.

Submission:

Labcorp Genetics (formerly Invitae), Labcorp
Classification: Uncertain significance. Last evaluated: 2022-06-13. Review status: criteria provided, single submitter. Criteria: Invitae Variant Classification Sherloc (09022015). Collection method: clinical testing. Allele origin: germline.
Comment: This variant is present in population databases (rs762871988, gnomAD 0.01%). This sequence change replaces alanine, which is neutral and non-polar, with threonine, which is neutral and polar, at codon 419 of the ROR2 protein (p.Ala419Thr). This variant has not been reported in the literature in individuals affected with ROR2-related conditions. In summary, the available evidence is currently insufficient to determine the role of this variant in disease. Therefore, it has been classified as a Variant of Uncertain Significance. Advanced modeling of protein sequence and biophysical properties (such as structural, functional, and spatial information, amino acid conservation, physicochemical variation, residue mobility, and thermodynamic stability) performed at Invitae indicates that this missense variant is not expected to disrupt ROR2 protein function.

NM_004560.4(ROR2):c.1255G>A (p.Ala419Thr)

Gene: ROR2 (receptor tyrosine kinase like orphan receptor 2; minus strand). Cytogenetic location: 9q22.31.
Variant type: single nucleotide variant.
Coding change: c.1255G>A on transcript NM_004560.4 (MANE Select); coding-DNA position 1255, G replaced by A.
Protein change: p.Ala419Thr; replaces alanine 419 with threonine.
Molecular consequence: missense variant. On other transcripts: synonymous variant (1).
Genome position (GRCh38, 1-based): chr9:91,726,672, C>T on the plus strand (G>A on the coding strand, the complement: ROR2 is on the minus strand). VCF-style: chr9-91726672-C-T. GRCh37 (hg19) VCF-style: chr9-94488954-C-T.
Other names: c.1221G>A, p.Ser407= (NM_001318204.2); short protein forms A419T.
Identifiers: ClinVar variation 1469030 (VCV001469030.8), dbSNP rs762871988, ClinGen allele CA5120743.